The following is an entry in ClinVar:

ClinVar aggregate classification (germline): Uncertain significance. Review status: criteria provided, multiple submitters, no conflicts (2 of 4 stars). 3 submissions from 3 submitters: Uncertain significance (2). 1 of the submissions does not count toward it. Last evaluated 2024-06-23.

Conditions:
C3-related disorder. Also called: C3-related condition.
Complement component 3 deficiency. Identifiers: Orphanet 280133, MedGen C3151071, MONDO:0013417, OMIM 613779.
Atypical hemolytic-uremic syndrome with C3 anomaly. Also called: AHUS, SUSCEPTIBILITY TO, 5. Identifiers: Orphanet 2134, MedGen C2752037, MONDO:0013043, OMIM 612925.
Age related macular degeneration 9. Identifiers: MedGen C1969651, MONDO:0012659, OMIM 611378.

Allele frequency attached by ClinVar (database versions not stated): gnomAD exomes below 0.00001; TOPMed below 0.00001; gnomAD 0.00001.
gnomAD v4.1: 5 of 1,613,560 alleles (0.00031%); highest among the groups gnomAD compares: East Asian, 0.0022%; no homozygotes.

Submissions (3):

Labcorp Genetics (formerly Invitae), Labcorp
Classification: Uncertain significance. Last evaluated: 2024-06-23. Review status: criteria provided, single submitter. Criteria: Invitae Variant Classification Sherloc (09022015). Collection method: clinical testing. Allele origin: germline.
Comment: This sequence change replaces proline, which is neutral and non-polar, with leucine, which is neutral and non-polar, at codon 196 of the C3 protein (p.Pro196Leu). This variant is present in population databases (no rsID available, gnomAD 0.006%). This variant has not been reported in the literature in individuals affected with C3-related conditions. Advanced modeling of protein sequence and biophysical properties (such as structural, functional, and spatial information, amino acid conservation, physicochemical variation, residue mobility, and thermodynamic stability) performed at Invitae indicates that this missense variant is expected to disrupt C3 protein function with a positive predictive value of 80%. In summary, the available evidence is currently insufficient to determine the role of this variant in disease. Therefore, it has been classified as a Variant of Uncertain Significance.

Fulgent Genetics
Classification: Uncertain significance for Age related macular degeneration 9; Atypical hemolytic-uremic syndrome with C3 anomaly; Complement component 3 deficiency. Last evaluated: 2024-01-20. Review status: criteria provided, single submitter. Criteria: ACMG Guidelines, 2015. Collection method: clinical testing. Allele origin: germline.

PreventionGenetics, part of Exact Sciences
Classification: Uncertain significance for C3-related condition. Last evaluated: 2023-10-24. Review status: no assertion criteria provided. Collection method: clinical testing. Allele origin: germline. Not counted in ClinVar's aggregate classification.
Comment: The C3 c.587C>T variant is predicted to result in the amino acid substitution p.Pro196Leu. To our knowledge, this variant has not been reported in the literature. This variant is reported in 0.0054% of alleles in individuals of East Asian descent in gnomAD. At this time, the clinical significance of this variant is uncertain due to the absence of conclusive functional and genetic evidence.

NM_000064.4(C3):c.587C>T (p.Pro196Leu)

Gene: C3 (complement C3; minus strand). Cytogenetic location: 19p13.3.
Variant type: single nucleotide variant.
Coding change: c.587C>T on transcript NM_000064.4 (MANE Select); coding-DNA position 587, C replaced by T.
Protein change: p.Pro196Leu; replaces proline 196 with leucine.
Molecular consequence: missense variant.
Genome position (GRCh38, 1-based): chr19:6,714,364, G>A on the plus strand (C>T on the coding strand, the complement: C3 is on the minus strand). VCF-style: chr19-6714364-G-A. GRCh37 (hg19) VCF-style: chr19-6714375-G-A.
Other names: short protein forms P196L.
Identifiers: ClinVar variation 3031691 (VCV003031691.5), dbSNP rs1321951928, ClinGen allele CA403643358.